The following is an entry in ClinVar:

NM_015426.5(POC1A):c.370G>A (p.Asp124Asn)

Gene: POC1A (POC1 centriolar protein A; minus strand). Cytogenetic location: 3p21.2.
Variant type: single nucleotide variant.
Coding change: c.370G>A on transcript NM_015426.5 (MANE Select); coding-DNA position 370, G replaced by A.
Protein change: p.Asp124Asn; replaces aspartic acid 124 with asparagine.
Molecular consequence: missense variant.
Genome position (GRCh38, 1-based): chr3:52,149,295, C>T on the plus strand (G>A on the coding strand, the complement: POC1A is on the minus strand). VCF-style: chr3-52149295-C-T. GRCh37 (hg19) VCF-style: chr3-52183311-C-T.
Other names: c.370G>A, p.Asp124Asn (NM_001161580.2); c.256G>A, p.Asp86Asn (NM_001161581.2); short protein forms D124N, D86N.
Identifiers: ClinVar variation 431918 (VCV000431918.2), dbSNP rs866964603, ClinGen allele CA74716926.

ClinVar aggregate classification (germline): Likely pathogenic (1 of 4 stars; one submission).

Allele frequency attached by ClinVar (database versions not stated): gnomAD exomes below 0.00001; TOPMed below 0.00001; gnomAD 0.00001.
gnomAD v4.1: 4 of 1,614,018 alleles (0.00025%); highest among the groups gnomAD compares: African/African-American, 0.0027%; no homozygotes.

Submission:

GeneDx
Classification: Likely pathogenic. Last evaluated: 2015-10-19. Review status: criteria provided, single submitter. Criteria: GeneDx Variant Classification (06012015). Collection method: clinical testing. Allele origin: germline. Affected: yes.
Comment: The D124N variant in the POC1A gene has not been published as a pathogenic variant, nor has it been reported as a benign polymorphism to our knowledge. The D124N variant was not observed in approximately 6500 individuals of European and African American ancestry in the NHLBI Exome Sequencing Project, indicating it is not a common benign variant in these populations. The D124N variant is a semi-conservative amino acid substitution, which may impact secondary protein structure as these residues differ in some properties. This substitution occurs at a position that is conserved across species and in silico analysis predicts this variant is probably damaging to the protein structure/function. The nearby missense variant, T120A, also located within the WD3 repeat domain, was reported in association with SOFT syndrome and functional studies showed the formation of abnormal mitotic spindle structures, thereby confirming the importance of this functional protein domain (Koparir et al., 2015). The D124N variant is a strong candidate for a pathogenic variant, however the possibility it may be a rare benign variant cannot be excluded.